The following is an entry in ClinVar:

NM_001378328.1(CELSR1):c.6976C>T (p.Arg2326Trp)

Gene: CELSR1 (cadherin EGF LAG seven-pass G-type receptor 1; minus strand). Cytogenetic location: 22q13.31.
Variant type: single nucleotide variant.
Coding change: c.6976C>T on transcript NM_001378328.1 (MANE Select); coding-DNA position 6976, C replaced by T.
Protein change: p.Arg2326Trp; replaces arginine 2326 with tryptophan.
Molecular consequence: missense variant.
Genome position (GRCh38, 1-based): chr22:46,381,958, G>A on the plus strand (C>T on the coding strand, the complement: CELSR1 is on the minus strand). VCF-style: chr22-46381958-G-A. GRCh37 (hg19) VCF-style: chr22-46777855-G-A.
Other names: c.6976C>T, p.Arg2326Trp (NM_014246.4); short protein forms R2326W.
Identifiers: ClinVar variation 4978120 (VCV004978120.1).
Genomic context (GRCh38, chr22:46,381,958, plus strand): 5'-TGCGGTAAATGATGACCAGAGCGACGGCGAACTGGCCAGCGTCATCAGGGTGTCGCCTCC[G>A]CCTGCTGATCGGGGCCTCCCTCTCGGTGCCAGGCCCCGGGCGCGTGGTCTGCGGGGTGGT-3'
Protein context (NP_001365257.1, residues 2316-2336): GTEREAPISR[Arg2326Trp]RRHPDDAGQF

ClinVar aggregate classification (germline): Likely benign (1 of 4 stars; one submission).

Conditions:
CELSR1-related disorder. Also called: CELSR1-related condition.

gnomAD v4.1: 141 of 1,564,742 alleles (0.009%); highest among the groups gnomAD compares: Admixed American, 0.013%; no homozygotes.

Submission:

PreventionGenetics, part of Exact Sciences
Classification: Likely benign for CELSR1-related condition. Last evaluated: 2025-10-29. Review status: criteria provided, single submitter. Criteria: ACMG Guidelines, 2015. Collection method: clinical testing. Allele origin: germline.
Comment: This variant is classified as likely benign based on ACMG/AMP sequence variant interpretation guidelines (Richards et al. 2015 PMID: 25741868, with internal and published modifications).